The following is an entry in ClinVar:

NM_152468.5(TMC8):c.560G>A (p.Gly187Asp)

Gene: TMC8 (transmembrane channel like 8; plus strand). Cytogenetic location: 17q25.3.
Variant type: single nucleotide variant.
Coding change: c.560G>A on transcript NM_152468.5 (MANE Select); coding-DNA position 560, G replaced by A.
Protein change: p.Gly187Asp; replaces glycine 187 with aspartic acid.
Molecular consequence: missense variant.
Genome position (GRCh38, 1-based): chr17:78,133,434, G>A. VCF-style: chr17-78133434-G-A. GRCh37 (hg19) VCF-style: chr17-76129515-G-A.
Other names: short protein forms G187D.
Identifiers: ClinVar variation 2128718 (VCV002128718.4), dbSNP rs2510772347, ClinGen allele CA401242954.
Genomic context (GRCh38, chr17:78,133,434, plus strand): 5'-CCCGGGCTGGGTATCTTCGTCGCTGTCCCCAGGCCTTCACCAACACCTATCTCTTCTACG[G>A]TGCGTACCGAGTGGGGCCGGAGAGCAGCTCCGTGTACAGCATCCGCCTGGCCTACCTCCT-3'
Protein context (NP_689681.2, residues 177-197): RAFTNTYLFY[Gly187Asp]AYRVGPESSS

ClinVar aggregate classification (germline): Uncertain significance (1 of 4 stars; one submission).

Conditions:
Epidermodysplasia verruciformis. Identifiers: Orphanet 302, MedGen C0014522, MONDO:0009176.

Submission:

Labcorp Genetics (formerly Invitae), Labcorp
Classification: Uncertain significance for Epidermodysplasia verruciformis. Last evaluated: 2022-04-21. Review status: criteria provided, single submitter. Criteria: Invitae Variant Classification Sherloc (09022015). Collection method: clinical testing. Allele origin: germline.
Comment: In summary, the available evidence is currently insufficient to determine the role of this variant in disease. Therefore, it has been classified as a Variant of Uncertain Significance. Algorithms developed to predict the effect of sequence changes on RNA splicing suggest that this variant may disrupt the consensus splice site. Algorithms developed to predict the effect of missense changes on protein structure and function are either unavailable or do not agree on the potential impact of this missense change (SIFT: "Deleterious"; PolyPhen-2: "Probably Damaging"; Align-GVGD: "Class C0"). This variant has not been reported in the literature in individuals affected with TMC8-related conditions. This variant is not present in population databases (gnomAD no frequency). This sequence change replaces glycine, which is neutral and non-polar, with aspartic acid, which is acidic and polar, at codon 187 of the TMC8 protein (p.Gly187Asp).